The following is an entry in ClinVar:

ClinVar aggregate classification (germline): Uncertain significance (1 of 4 stars; one submission).

Allele frequency attached by ClinVar (database versions not stated): ExAC 0.00001; gnomAD exomes 0.00001; ESP Exome Variant Server 0.00008.

Submission:

Labcorp Genetics (formerly Invitae), Labcorp
Classification: Uncertain significance. Last evaluated: 2022-10-27. Review status: criteria provided, single submitter. Criteria: Invitae Variant Classification Sherloc (09022015). Collection method: clinical testing. Allele origin: germline.
Comment: In summary, the available evidence is currently insufficient to determine the role of this variant in disease. Therefore, it has been classified as a Variant of Uncertain Significance. Advanced modeling of protein sequence and biophysical properties (such as structural, functional, and spatial information, amino acid conservation, physicochemical variation, residue mobility, and thermodynamic stability) performed at Invitae indicates that this missense variant is expected to disrupt DNA2 protein function. This variant has not been reported in the literature in individuals affected with DNA2-related conditions. This variant is present in population databases (rs376154444, gnomAD 0.0009%). This sequence change replaces isoleucine, which is neutral and non-polar, with serine, which is neutral and polar, at codon 596 of the DNA2 protein (p.Ile596Ser).

NM_001080449.3(DNA2):c.1787T>G (p.Ile596Ser)

Gene: DNA2 (DNA replication helicase/nuclease 2; minus strand). Cytogenetic location: 10q21.3.
Variant type: single nucleotide variant.
Coding change: c.1787T>G on transcript NM_001080449.3 (MANE Select); coding-DNA position 1787, T replaced by G.
Protein change: p.Ile596Ser; replaces isoleucine 596 with serine.
Molecular consequence: missense variant. On other transcripts: non-coding transcript variant (1).
Genome position (GRCh38, 1-based): chr10:68,432,292, A>C on the plus strand (T>G on the coding strand, the complement: DNA2 is on the minus strand). VCF-style: chr10-68432292-A-C. GRCh37 (hg19) VCF-style: chr10-70192049-A-C.
Other names: short protein forms I596S.
Identifiers: ClinVar variation 2004102 (VCV002004102.4), dbSNP rs376154444, ClinGen allele CA5524975.